The following is an entry in ClinVar:

NM_020832.3(ZNF687):c.3160G>A (p.Gly1054Arg)

Gene: ZNF687 (zinc finger protein 687; plus strand). Cytogenetic location: 1q21.3.
Variant type: single nucleotide variant.
Coding change: c.3160G>A on transcript NM_020832.3 (MANE Select); coding-DNA position 3160, G replaced by A.
Protein change: p.Gly1054Arg; replaces glycine 1054 with arginine.
Molecular consequence: missense variant.
Genome position (GRCh38, 1-based): chr1:151,290,514, G>A. VCF-style: chr1-151290514-G-A. GRCh37 (hg19) VCF-style: chr1-151262990-G-A.
Other names: c.3160G>A, p.Gly1054Arg (NM_001304763.2, NM_001304764.2); short protein forms G1054R.
Identifiers: ClinVar variation 3618099 (VCV003618099.2).

ClinVar aggregate classification (germline): Uncertain significance (1 of 4 stars; one submission).

gnomAD v4.1: 3 of 1,613,780 alleles (0.00019%); highest among the groups gnomAD compares: Admixed American, 0.0017%; no homozygotes.

Submission:

Labcorp Genetics (formerly Invitae), Labcorp
Classification: Uncertain significance. Last evaluated: 2024-06-30. Review status: criteria provided, single submitter. Criteria: Invitae Variant Classification Sherloc (09022015). Collection method: clinical testing. Allele origin: germline.
Comment: This sequence change replaces glycine, which is neutral and non-polar, with arginine, which is basic and polar, at codon 1054 of the ZNF687 protein (p.Gly1054Arg). This variant is not present in population databases (gnomAD no frequency). This variant has not been reported in the literature in individuals affected with ZNF687-related conditions. An algorithm developed to predict the effect of missense changes on protein structure and function (PolyPhen-2) suggests that this variant is likely to be disruptive. In summary, the available evidence is currently insufficient to determine the role of this variant in disease. Therefore, it has been classified as a Variant of Uncertain Significance.